The following is an entry in ClinVar:

NM_005045.4(RELN):c.5988G>T (p.Met1996Ile)

Gene: RELN (reelin; minus strand). Cytogenetic location: 7q22.1.
Variant type: single nucleotide variant.
Coding change: c.5988G>T on transcript NM_005045.4 (MANE Select); coding-DNA position 5988, G replaced by T.
Protein change: p.Met1996Ile; replaces methionine 1996 with isoleucine.
Molecular consequence: missense variant.
Genome position (GRCh38, 1-based): chr7:103,553,545, C>A on the plus strand (G>T on the coding strand, the complement: RELN is on the minus strand). VCF-style: chr7-103553545-C-A. GRCh37 (hg19) VCF-style: chr7-103193992-C-A.
Other names: c.5988G>T, p.Met1996Ile (NM_173054.3); short protein forms M1996I.
Identifiers: ClinVar variation 3375850 (VCV003375850.1).
Genomic context (GRCh38, chr7:103,553,545, plus strand): 5'-ATTCACATTTAGGTCACGGGTGGTAATGGAATGCTCACCAACTTCATTTGAAACAAACAC[C>A]ATAGCTGAATCTTCTTCACTGTTACACAGGAAAACAACCAGGAATCCATTTAGGCAAAAG-3'
Protein context (NP_005036.2, residues 1986-2006): SKGAPEEDSA[Met1996Ile]VFVSNEVGEH

ClinVar aggregate classification (germline): Uncertain significance (1 of 4 stars; one submission).

Submission:

GeneDx
Classification: Uncertain significance. Last evaluated: 2024-05-07. Review status: criteria provided, single submitter. Criteria: GeneDx Variant Classification Process June 2021. Collection method: clinical testing. Allele origin: germline. Affected: yes.
Comment: Not observed at significant frequency in large population cohorts (gnomAD); In silico analysis indicates that this missense variant does not alter protein structure/function; Has not been previously published as pathogenic or benign to our knowledge